The following is an entry in ClinVar:

ClinVar aggregate classification (germline): Uncertain significance (1 of 4 stars; one submission).

Submission:

Labcorp Genetics (formerly Invitae), Labcorp
Classification: Uncertain significance. Last evaluated: 2025-04-28. Review status: criteria provided, single submitter. Criteria: Invitae Variant Classification Sherloc (09022015). Collection method: clinical testing. Allele origin: germline.
Comment: This sequence change replaces leucine, which is neutral and non-polar, with valine, which is neutral and non-polar, at codon 235 of the CFB protein (p.Leu235Val). This variant is not present in population databases (gnomAD no frequency). This variant has not been reported in the literature in individuals affected with CFB-related conditions. Invitae Evidence Modeling of protein sequence and biophysical properties (such as structural, functional, and spatial information, amino acid conservation, physicochemical variation, residue mobility, and thermodynamic stability) indicates that this missense variant is not expected to disrupt CFB protein function with a negative predictive value of 80%. In summary, the available evidence is currently insufficient to determine the role of this variant in disease. Therefore, it has been classified as a Variant of Uncertain Significance.

NM_001710.6(CFB):c.703C>G (p.Leu235Val)

Gene: CFB (complement factor B; plus strand). Cytogenetic location: 6p21.33.
Variant type: single nucleotide variant.
Coding change: c.703C>G on transcript NM_001710.6 (MANE Select); coding-DNA position 703, C replaced by G.
Protein change: p.Leu235Val; replaces leucine 235 with valine.
Molecular consequence: missense variant.
Genome position (GRCh38, 1-based): chr6:31,947,786, C>G. VCF-style: chr6-31947786-C-G. GRCh37 (hg19) VCF-style: chr6-31915563-C-G.
Other names: short protein forms L235V.
Identifiers: ClinVar variation 4807398 (VCV004807398.1).